The following is an entry in ClinVar:

NM_004995.4(MMP14):c.62C>T (p.Ala21Val)

Gene: MMP14 (matrix metallopeptidase 14; plus strand). Cytogenetic location: 14q11.2.
Variant type: single nucleotide variant.
Coding change: c.62C>T on transcript NM_004995.4 (MANE Select); coding-DNA position 62, C replaced by T.
Protein change: p.Ala21Val; replaces alanine 21 with valine.
Molecular consequence: missense variant.
Genome position (GRCh38, 1-based): chr14:22,836,879, C>T. VCF-style: chr14-22836879-C-T. GRCh37 (hg19) VCF-style: chr14-23306088-C-T.
Other names: short protein forms A21V.
Identifiers: ClinVar variation 2838976 (VCV002838976.3), dbSNP rs927591335, ClinGen allele CA257740478.

ClinVar aggregate classification (germline): Uncertain significance (1 of 4 stars; one submission).

Allele frequency attached by ClinVar (database versions not stated): gnomAD exomes below 0.00001.
gnomAD v4.1: 1 of 1,613,820 alleles (0.000062%); highest among the groups gnomAD compares: Non-Finnish European, 0.000085%; no homozygotes.

Submission:

Labcorp Genetics (formerly Invitae), Labcorp
Classification: Uncertain significance. Last evaluated: 2023-07-09. Review status: criteria provided, single submitter. Criteria: Invitae Variant Classification Sherloc (09022015). Collection method: clinical testing. Allele origin: germline.
Comment: This variant is not present in population databases (gnomAD no frequency). In summary, the available evidence is currently insufficient to determine the role of this variant in disease. Therefore, it has been classified as a Variant of Uncertain Significance. Algorithms developed to predict the effect of missense changes on protein structure and function output the following: SIFT: "Not Available"; PolyPhen-2: "Not Available"; Align-GVGD: "Not Available". The valine amino acid residue is found in multiple mammalian species, which suggests that this missense change does not adversely affect protein function. This variant has not been reported in the literature in individuals affected with MMP14-related conditions. This sequence change replaces alanine, which is neutral and non-polar, with valine, which is neutral and non-polar, at codon 21 of the MMP14 protein (p.Ala21Val).